The following is an entry in ClinVar:

NM_001384474.1(LOXHD1):c.977A>G (p.Asn326Ser)

Gene: LOXHD1 (lipoxygenase homology PLAT domains 1; minus strand). Cytogenetic location: 18q21.1.
Variant type: single nucleotide variant.
Coding change: c.977A>G on transcript NM_001384474.1 (MANE Select); coding-DNA position 977, A replaced by G.
Protein change: p.Asn326Ser; replaces asparagine 326 with serine.
Molecular consequence: missense variant.
Genome position (GRCh38, 1-based): chr18:46,601,374, T>C on the plus strand (A>G on the coding strand, the complement: LOXHD1 is on the minus strand). VCF-style: chr18-46601374-T-C. GRCh37 (hg19) VCF-style: chr18-44181337-T-C.
Other names: c.977A>G, p.Asn326Ser (NM_144612.7); short protein forms N326S.
Identifiers: ClinVar variation 178956 (VCV000178956.24), dbSNP rs188528174, ClinGen allele CA183379.

ClinVar aggregate classification (germline): Conflicting classifications of pathogenicity. Review status: criteria provided, conflicting classifications (1 of 4 stars). 5 submissions from 5 submitters: Uncertain significance (2); Likely benign (2). 1 of the submissions does not count toward it. Last evaluated 2026-01-28.

Conditions:
LOXHD1-related disorder. Also called: LOXHD1-related condition.
Autosomal recessive nonsyndromic hearing loss 77. Identifiers: Orphanet 90636, MedGen C2746083, MONDO:0013119, OMIM 613079.

Allele frequency attached by ClinVar (database versions not stated): gnomAD exomes 0.00010 and 0.00042; gnomAD 0.00020 and 0.00024; ExAC 0.00036; TOPMed 0.00037; 1000 Genomes Project 30x 0.00094; 1000 Genomes Project 0.00100.
gnomAD v4.1: 203 of 1,551,684 alleles (0.013%); highest among the groups gnomAD compares: East Asian, 0.34%; 1 homozygote.

Submissions (5):

Labcorp Genetics (formerly Invitae), Labcorp
Classification: Likely benign. Last evaluated: 2026-01-28. Review status: criteria provided, single submitter. Criteria: Invitae Variant Classification Sherloc (09022015). Collection method: clinical testing. Allele origin: germline.

GeneDx
Classification: Uncertain significance. Last evaluated: 2023-07-01. Review status: criteria provided, single submitter. Criteria: GeneDx Variant Classification Process June 2021. Collection method: clinical testing. Allele origin: germline. Affected: yes.
Comment: Observed with a second LOXHD1 variant in a patient with deafness, but it is not known whether the variants occurred on the same (in cis) or on different (in trans) chromosomes (Li et al., 2021); In silico analysis supports that this missense variant does not alter protein structure/function; This variant is associated with the following publications: (PMID: 33724713, 25668207)

Illumina Laboratory Services, Illumina
Classification: Uncertain significance for Autosomal recessive nonsyndromic hearing loss 77. Last evaluated: 2018-01-12. Review status: criteria provided, single submitter. Criteria: ICSL Variant Classification Criteria 13 December 2019. Collection method: clinical testing. Allele origin: germline.

Laboratory for Molecular Medicine, Mass General Brigham Personalized Medicine
Classification: Likely benign. Last evaluated: 2016-05-21. Review status: criteria provided, single submitter. Criteria: LMM Criteria. Collection method: clinical testing. Allele origin: germline. Observed: 3 variant alleles.
Comment: p.Asn326Ser in exon 8 of LOXHD1: This variant is not expected to have clinical s ignificance due to frequency data, conservation data, and previous reports. It has been identified in 0.9% (6/648) of East Asian chromosomes by the Exome Aggre gation Consortium (ExAC; dbSNP rs188528174). Th e asparagine (Asn) at position 326 is not conserved in mammals or evolutionary d istant species, with two mammals (pig and armadillo) having a serine (Ser), supp orting that a change at this position may be tolerated. Therefor e, this data collectively suggests that the p.Asn326Ser variant is likely benign .

PreventionGenetics, part of Exact Sciences
Classification: Likely benign for LOXHD1-related condition. Last evaluated: 2024-07-13. Review status: no assertion criteria provided. Collection method: clinical testing. Allele origin: germline. Not counted in ClinVar's aggregate classification.
Comment: This variant is classified as likely benign based on ACMG/AMP sequence variant interpretation guidelines (Richards et al. 2015 PMID: 25741868, with internal and published modifications).